The following is an entry in ClinVar:

NM_001365088.1(SLC12A6):c.2042+4A>G

Gene: SLC12A6 (solute carrier family 12 member 6; minus strand). Cytogenetic location: 15q14.
Variant type: single nucleotide variant.
Coding change: c.2042+4A>G on transcript NM_001365088.1 (MANE Select); 4 bases into the intron after coding-DNA position 2042, A replaced by G.
Molecular consequence: intron variant.
Genome position (GRCh38, 1-based): chr15:34,243,970, T>C on the plus strand (A>G on the coding strand, the complement: SLC12A6 is on the minus strand). VCF-style: chr15-34243970-T-C. GRCh37 (hg19) VCF-style: chr15-34536171-T-C.
Other names: c.1865+4A>G (NM_001042495.2, NM_001042494.2); c.2015+4A>G (NM_001042496.2); c.1997+4A>G (NM_001042497.2); c.2042+4A>G (NM_133647.2); c.1889+4A>G (NM_005135.2).
Identifiers: ClinVar variation 2182483 (VCV002182483.4), dbSNP rs1891819479, ClinGen allele CA968526140.
Genomic context (GRCh38, chr15:34,243,970, plus strand): 5'-TTTTCTAGTTCAAAGATGGGTTCTCTCCAAACGTGAGTAAAAAGAATAAAAGAAGCAGAC[T>C]TACCAATGGTAGTAGCGGAATCGGGGTCTCCAGTTGGGTGTTCGAAGTAATGTTTGCAAG-3'

ClinVar aggregate classification (germline): Uncertain significance (1 of 4 stars; one submission).

Allele frequency attached by ClinVar (database versions not stated): gnomAD 0.00001.
gnomAD v4.1: 1 of 1,516,464 alleles (0.000066%); highest among the groups gnomAD compares: Non-Finnish European, 0.000092%; no homozygotes.

Submission:

Labcorp Genetics (formerly Invitae), Labcorp
Classification: Uncertain significance. Last evaluated: 2022-06-09. Review status: criteria provided, single submitter. Criteria: Invitae Variant Classification Sherloc (09022015). Collection method: clinical testing. Allele origin: germline.
Comment: This variant has not been reported in the literature in individuals affected with SLC12A6-related conditions. In summary, the available evidence is currently insufficient to determine the role of this variant in disease. Therefore, it has been classified as a Variant of Uncertain Significance. Variants that disrupt the consensus splice site are a relatively common cause of aberrant splicing (PMID: 17576681, 9536098). Algorithms developed to predict the effect of sequence changes on RNA splicing suggest that this variant is not likely to affect RNA splicing. This variant is not present in population databases (gnomAD no frequency). This sequence change falls in intron 15 of the SLC12A6 gene. It does not directly change the encoded amino acid sequence of the SLC12A6 protein. It affects a nucleotide within the consensus splice site.

Literature cited by the submitters: PubMed 17576681; PubMed 9536098.